The following is an entry in ClinVar:

NM_000089.4(COL1A2):c.693+12C>A

Gene: COL1A2 (collagen type I alpha 2 chain; plus strand). Cytogenetic location: 7q21.3.
Variant type: single nucleotide variant.
Coding change: c.693+12C>A on transcript NM_000089.4 (MANE Select); 12 bases into the intron after coding-DNA position 693, C replaced by A.
Molecular consequence: intron variant.
Genome position (GRCh38, 1-based): chr7:94,408,248, C>A. VCF-style: chr7-94408248-C-A. GRCh37 (hg19) VCF-style: chr7-94037560-C-A.
Identifiers: ClinVar variation 360947 (VCV000360947.8), dbSNP rs767990110, ClinGen allele CA4346769.

ClinVar aggregate classification (germline): Conflicting classifications of pathogenicity. Review status: criteria provided, conflicting classifications (1 of 4 stars). 3 submissions from 2 submitters: Uncertain significance (1); Likely benign (2). Last evaluated 2026-01-04.

Conditions:
Osteogenesis imperfecta type I (OI1). Also called: Lobstein disease; OI, TYPE I; OSTEOGENESIS IMPERFECTA TARDA; OSTEOGENESIS IMPERFECTA WITH BLUE SCLERAE; Classic Non-deforming Osteogenesis Imperfecta with Blue Sclerae; Osteogenesis imperfecta type 1. Identifiers: Orphanet 216796, Orphanet 666, MedGen C0023931, MONDO:0008146, OMIM 166200. Disease mechanism: loss of function.
Ehlers-Danlos syndrome, classic type, 1 (EDSCL1). Also called: EHLERS-DANLOS SYNDROME, GRAVIS TYPE; EHLERS-DANLOS SYNDROME, SEVERE CLASSIC TYPE; Ehlers-Danlos Syndrome, Classic Type, COL5A1-Related; EDS I; Ehlers-Danlos syndrome, type 1. Identifiers: MedGen C0268335, MONDO:0019567, OMIM 130000.
Osteogenesis imperfecta (OI). Identifiers: Orphanet 666, MedGen C0029434, MeSH D010013, MONDO:0019019.
Ehlers-Danlos syndrome, arthrochalasia type, 2. Also called: EHLERS-DANLOS SYNDROME, TYPE VIIB, AUTOSOMAL DOMINANT. Identifiers: MedGen CN293783, MONDO:0040501, OMIM 617821.

Allele frequency attached by ClinVar (database versions not stated): gnomAD 0.00001; ExAC 0.00002; TOPMed 0.00001; gnomAD exomes 0.00002 and 0.00003.
gnomAD v4.1: 19 of 1,613,062 alleles (0.0012%); highest among the groups gnomAD compares: Middle Eastern, 0.016%; no homozygotes.

Submissions (3):

Labcorp Genetics (formerly Invitae), Labcorp
Classification: Likely benign for Osteogenesis imperfecta type I; Ehlers-Danlos syndrome, classic type, 1. Last evaluated: 2026-01-04. Review status: criteria provided, single submitter. Criteria: Invitae Variant Classification Sherloc (09022015). Collection method: clinical testing. Allele origin: germline.

Illumina Laboratory Services, Illumina
Classification: Likely benign for Ehlers-Danlos syndrome, arthrochalasia type, 2. Last evaluated: 2018-01-13. Review status: criteria provided, single submitter. Criteria: ICSL Variant Classification Criteria 13 December 2019. Collection method: clinical testing. Allele origin: germline.
Comment: This variant was observed in the ICSL laboratory as part of a predisposition screen in an ostensibly healthy population. It had not been previously curated by ICSL or reported in the Human Gene Mutation Database (HGMD: prior to June 1st, 2018), and was therefore a candidate for classification through an automated scoring system. Utilizing variant allele frequency, disease prevalence and penetrance estimates, and inheritance mode, an automated score was calculated to assess if this variant is too frequent to cause the disease. Based on the score and internal cut-off values, a variant classified as likely benign is not then subjected to further curation. The score for this variant resulted in a classification of likely benign for this disease.

Illumina Laboratory Services, Illumina
Classification: Uncertain significance for Osteogenesis imperfecta. Last evaluated: 2018-01-13. Review status: criteria provided, single submitter. Criteria: ICSL Variant Classification Criteria 13 December 2019. Collection method: clinical testing. Allele origin: germline.